The following is an entry in ClinVar:

NM_144991.3(TSPEAR):c.1860G>A (p.Trp620Ter)

Gene: TSPEAR (thrombospondin type laminin G domain and EAR repeats; minus strand). Cytogenetic location: 21q22.3.
Variant type: single nucleotide variant.
Coding change: c.1860G>A on transcript NM_144991.3 (MANE Select); coding-DNA position 1860, G replaced by A.
Protein change: p.Trp620Ter; replaces tryptophan 620 with a stop codon.
Molecular consequence: nonsense.
Genome position (GRCh38, 1-based): chr21:44,499,933, C>T on the plus strand (G>A on the coding strand, the complement: TSPEAR is on the minus strand). VCF-style: chr21-44499933-C-T. GRCh37 (hg19) VCF-style: chr21-45919816-C-T.
Other names: c.1656G>A, p.Trp552Ter (NM_001272037.2); short protein forms W620*, W552*.
Identifiers: ClinVar variation 4751988 (VCV004751988.1).

ClinVar aggregate classification (germline): Pathogenic (1 of 4 stars; one submission).

gnomAD v4.1: 19 of 1,604,634 alleles (0.0012%); highest among the groups gnomAD compares: Non-Finnish European, 0.0016%; no homozygotes.

Submission:

Labcorp Genetics (formerly Invitae), Labcorp
Classification: Pathogenic. Last evaluated: 2025-07-10. Review status: criteria provided, single submitter. Criteria: Invitae Variant Classification Sherloc (09022015). Collection method: clinical testing. Allele origin: germline.
Comment: This sequence change creates a premature translational stop signal (p.Trp620*) in the TSPEAR gene. While this is not anticipated to result in nonsense mediated decay, it is expected to disrupt the last 50 amino acid(s) of the TSPEAR protein. The frequency data for this variant in the population databases is considered unreliable, as metrics indicate poor data quality at this position in the gnomAD database. This variant has not been reported in the literature in individuals affected with TSPEAR-related conditions. This variant disrupts a region of the TSPEAR protein in which other variant(s) (p.Phe626Ser) have been determined to be pathogenic (PMID: 30046887; internal data). This suggests that this is a clinically significant region of the protein, and that variants that disrupt it are likely to be disease-causing. For these reasons, this variant has been classified as Pathogenic.

Literature cited by the submitters: PubMed 30046887.